The following is an entry in ClinVar:

ClinVar aggregate classification (germline): Likely benign (0 of 4 stars; one submission).

Conditions:
ABR-related disorder. Also called: ABR-related condition.

Submission:

PreventionGenetics, part of Exact Sciences
Classification: Likely benign for ABR-related condition. Last evaluated: 2020-08-25. Review status: no assertion criteria provided. Collection method: clinical testing. Allele origin: germline.
Comment: This variant is classified as likely benign based on ACMG/AMP sequence variant interpretation guidelines (Richards et al. 2015 PMID: 25741868, with internal and published modifications).

NM_021962.5(ABR):c.1305+7A>T

Gene: ABR (ABR activator of RhoGEF and GTPase; minus strand). Cytogenetic location: 17p13.3.
Variant type: single nucleotide variant.
Coding change: c.1305+7A>T on transcript NM_021962.5 (MANE Select); 7 bases into the intron after coding-DNA position 1305, A replaced by T.
Molecular consequence: intron variant.
Genome position (GRCh38, 1-based): chr17:1,058,738, T>A on the plus strand (A>T on the coding strand, the complement: ABR is on the minus strand). VCF-style: chr17-1058738-T-A. GRCh37 (hg19) VCF-style: chr17-961978-T-A.
Other names: c.2082+7A>T (NM_001322841.2); c.1167+7A>T (NM_001159746.3, NM_001322840.2); c.1194+7A>T (NM_001092.5); c.651+7A>T (NM_001282149.2).
Identifiers: ClinVar variation 3041522 (VCV003041522.2), dbSNP rs1187822011, ClinGen allele CA2576120771.